The following is an entry in ClinVar:

ClinVar aggregate classification (germline): Benign (0 of 4 stars; one submission).

Conditions:
DNMBP-related disorder. Also called: DNMBP-related condition.

Allele frequency attached by ClinVar (database versions not stated): 1000 Genomes Project 30x 0.00874; 1000 Genomes Project 0.00958; TOPMed 0.01890; gnomAD 0.02200; ExAC 0.02539; ESP Exome Variant Server 0.02576; gnomAD exomes 0.03264.
gnomAD v4.1: 50,668 of 1,612,148 alleles (3.1%); highest among the groups gnomAD compares: Non-Finnish European, 3.8%; 960 homozygotes.

Submission:

PreventionGenetics, part of Exact Sciences
Classification: Benign for DNMBP-related condition. Last evaluated: 2019-05-28. Review status: no assertion criteria provided. Collection method: clinical testing. Allele origin: germline.
Comment: This variant is classified as benign based on ACMG/AMP sequence variant interpretation guidelines (Richards et al. 2015 PMID: 25741868, with internal and published modifications).

NM_015221.4(DNMBP):c.2514G>A (p.Ser838=)

Gene: DNMBP (dynamin binding protein; minus strand). Cytogenetic location: 10q24.2.
Variant type: single nucleotide variant.
Coding change: c.2514G>A on transcript NM_015221.4 (MANE Select); coding-DNA position 2514, G replaced by A.
Protein change: p.Ser838=; no amino-acid change (serine 838 retained).
Molecular consequence: synonymous variant.
Genome position (GRCh38, 1-based): chr10:99,908,035, C>T on the plus strand (G>A on the coding strand, the complement: DNMBP is on the minus strand). VCF-style: chr10-99908035-C-T. GRCh37 (hg19) VCF-style: chr10-101667792-C-T.
Other names: c.1410G>A, p.Ser470= (NM_001318326.2); c.252G>A, p.Ser84= (NM_001318327.2).
Identifiers: ClinVar variation 3055504 (VCV003055504.2), dbSNP rs17854135, ClinGen allele CA5644905.